The following is an entry in ClinVar:

NM_002972.4(SBF1):c.5180C>G (p.Thr1727Ser)

Gene: SBF1 (SET binding factor 1; minus strand). Cytogenetic location: 22q13.33.
Variant type: single nucleotide variant.
Coding change: c.5180C>G on transcript NM_002972.4 (MANE Select); coding-DNA position 5180, C replaced by G.
Protein change: p.Thr1727Ser; replaces threonine 1727 with serine.
Molecular consequence: missense variant.
Genome position (GRCh38, 1-based): chr22:50,448,416, G>C on the plus strand (C>G on the coding strand, the complement: SBF1 is on the minus strand). VCF-style: chr22-50448416-G-C. GRCh37 (hg19) VCF-style: chr22-50886845-G-C.
Other names: c.5105C>G, p.Thr1702Ser (NM_001365819.1); short protein forms T1702S, T1727S.
Identifiers: ClinVar variation 1519581 (VCV001519581.5), dbSNP rs773838625, ClinGen allele CA10315938.

ClinVar aggregate classification (germline): Uncertain significance (1 of 4 stars; one submission).

Allele frequency attached by ClinVar (database versions not stated): gnomAD exomes below 0.00001; ExAC 0.00001.

Submission:

Labcorp Genetics (formerly Invitae), Labcorp
Classification: Uncertain significance. Last evaluated: 2021-09-24. Review status: criteria provided, single submitter. Criteria: Invitae Variant Classification Sherloc (09022015). Collection method: clinical testing. Allele origin: germline.
Comment: This sequence change replaces threonine with serine at codon 1727 of the SBF1 protein (p.Thr1727Ser). The threonine residue is weakly conserved and there is a small physicochemical difference between threonine and serine. This variant is present in population databases (rs773838625, ExAC 0.002%). This variant has not been reported in the literature in individuals with SBF1-related conditions. Algorithms developed to predict the effect of missense changes on protein structure and function output the following: SIFT: "Tolerated"; PolyPhen-2: "Benign"; Align-GVGD: "Class C0". The serine amino acid residue is found in multiple mammalian species, suggesting that this missense change does not adversely affect protein function. These predictions have not been confirmed by published functional studies and their clinical significance is uncertain. Algorithms developed to predict the effect of sequence changes on RNA splicing suggest that this variant may create or strengthen a splice site, but this prediction has not been confirmed by published transcriptional studies. In summary, the available evidence is currently insufficient to determine the role of this variant in disease. Therefore, it has been classified as a Variant of Uncertain Significance.